The following is an entry in ClinVar:

ClinVar aggregate classification (germline): Uncertain significance (1 of 4 stars; one submission).

Submission:

GeneDx
Classification: Uncertain significance. Last evaluated: 2025-12-12. Review status: criteria provided, single submitter. Criteria: GeneDx Variant Classification Process June 2021. Collection method: clinical testing. Allele origin: germline. Affected: yes.
Comment: Not observed at significant frequency in large population cohorts (gnomAD); In silico analysis supports that this missense variant has a deleterious effect on protein structure/function; Has not been previously published as pathogenic or benign to our knowledge

NM_181303.2(NLGN3):c.370A>C (p.Thr124Pro)

Gene: NLGN3 (neuroligin 3; plus strand). Cytogenetic location: Xq13.1.
Variant type: single nucleotide variant.
Coding change: c.370A>C on transcript NM_181303.2 (MANE Select); coding-DNA position 370, A replaced by C.
Protein change: p.Thr124Pro; replaces threonine 124 with proline.
Molecular consequence: missense variant.
Genome position (GRCh38, 1-based): chrX:71,148,119, A>C. VCF-style: chrX-71148119-A-C. GRCh37 (hg19) VCF-style: chrX-70367969-A-C.
Other names: c.370A>C, p.Thr124Pro (NM_001166660.2, NM_018977.4); c.19A>C, p.Thr7Pro (NM_001321276.2); short protein forms T124P, T7P.
Identifiers: ClinVar variation 3600884 (VCV003600884.2).